The following is an entry in ClinVar:

NM_000243.3(MEFV):c.343C>T (p.Pro115Ser)

Gene: MEFV (MEFV innate immunity regulator, pyrin; minus strand). Cytogenetic location: 16p13.3.
Variant type: single nucleotide variant.
Coding change: c.343C>T on transcript NM_000243.3 (MANE Select); coding-DNA position 343, C replaced by T.
Protein change: p.Pro115Ser; replaces proline 115 with serine.
Molecular consequence: missense variant. On other transcripts: intron variant (1).
Genome position (GRCh38, 1-based): chr16:3,254,725, G>A on the plus strand (C>T on the coding strand, the complement: MEFV is on the minus strand). VCF-style: chr16-3254725-G-A. GRCh37 (hg19) VCF-style: chr16-3304725-G-A.
Other names: c.277+1586C>T (NM_001198536.2); short protein forms P115S.
Identifiers: ClinVar variation 2169785 (VCV002169785.3), dbSNP rs147557169, ClinGen allele CA7860453.

ClinVar aggregate classification (germline): Uncertain significance. Review status: criteria provided, multiple submitters, no conflicts (2 of 4 stars). 2 submissions from 2 submitters: Uncertain significance (2). Last evaluated 2025-10-20.

Conditions:
Familial Mediterranean fever, autosomal dominant. Also called: FMF, AUTOSOMAL DOMINANT; Dominant Familial Mediterranean Fever. Identifiers: Orphanet 342, MedGen C1851347, MONDO:0007601, OMIM 134610.
Acute febrile neutrophilic dermatosis (AFND). Also called: Sweet Syndrome; Gomm Button disease. Identifiers: Orphanet 3243, MedGen C0085077, MONDO:0011959, OMIM 608068.
Familial Mediterranean fever (FMF). Also called: POLYSEROSITIS, FAMILIAL PAROXYSMAL; POLYSEROSITIS, RECURRENT; Periodic peritonitis; Benign paroxysmal peritonitis. Identifiers: Orphanet 342, MedGen C0031069, MONDO:0018088, OMIM 249100. Disease mechanism: gain of function.

Allele frequency attached by ClinVar (database versions not stated): ESP Exome Variant Server 0.00008.
gnomAD v4.1: 5 of 1,612,710 alleles (0.00031%); highest among the groups gnomAD compares: African/African-American, 0.0053%; no homozygotes.

Submissions (2):

Labcorp Genetics (formerly Invitae), Labcorp
Classification: Uncertain significance for Familial Mediterranean fever. Last evaluated: 2025-10-20. Review status: criteria provided, single submitter. Criteria: Invitae Variant Classification Sherloc (09022015). Collection method: clinical testing. Allele origin: germline.
Comment: This sequence change replaces proline, which is neutral and non-polar, with serine, which is neutral and polar, at codon 115 of the MEFV protein (p.Pro115Ser). This variant is present in population databases (rs147557169, gnomAD 0.004%). This variant has not been reported in the literature in individuals affected with MEFV-related conditions. ClinVar contains an entry for this variant (Variation ID: 2169785). An algorithm developed to predict the effect of missense changes on protein structure and function outputs the following: PolyPhen-2: "Benign". The serine amino acid residue is found in multiple mammalian species, which suggests that this missense change does not adversely affect protein function. In summary, the available evidence is currently insufficient to determine the role of this variant in disease. Therefore, it has been classified as a Variant of Uncertain Significance.

Fulgent Genetics
Classification: Uncertain significance for Familial Mediterranean fever, autosomal dominant; Familial Mediterranean fever; Acute febrile neutrophilic dermatosis. Last evaluated: 2024-05-18. Review status: criteria provided, single submitter. Criteria: ACMG Guidelines, 2015. Collection method: clinical testing. Allele origin: germline.